The following is an entry in ClinVar:

ClinVar aggregate classification (germline): Uncertain significance (1 of 4 stars; one submission).

Conditions:
Hereditary cancer-predisposing syndrome. Also called: Neoplastic Syndromes, Hereditary; Tumor predisposition; Hereditary Cancer Syndrome; Hereditary neoplastic syndrome. Identifiers: Orphanet 140162, MedGen C0027672, MeSH D009386, MONDO:0015356.

Submission:

Ambry Genetics
Classification: Uncertain significance for Hereditary cancer-predisposing syndrome. Last evaluated: 2021-03-05. Review status: criteria provided, single submitter. Criteria: Ambry Variant Classification Scheme 2023. Collection method: clinical testing. Allele origin: germline.
Comment: The p.R218W variant (also known as c.652A>T), located in coding exon 1 of the MET gene, results from an A to T substitution at nucleotide position 652. The arginine at codon 218 is replaced by tryptophan, an amino acid with dissimilar properties. This amino acid position is well conserved in available vertebrate species. In addition, the in silico prediction for this alteration is inconclusive. Since supporting evidence is limited at this time, the clinical significance of this alteration remains unclear.

NM_000245.4(MET):c.652A>T (p.Arg218Trp)

Gene: MET (MET proto-oncogene, receptor tyrosine kinase; plus strand). Cytogenetic location: 7q31.2.
Variant type: single nucleotide variant.
Coding change: c.652A>T on transcript NM_000245.4 (MANE Select); coding-DNA position 652, A replaced by T.
Protein change: p.Arg218Trp; replaces arginine 218 with tryptophan.
Molecular consequence: missense variant. On other transcripts: intron variant (1).
Genome position (GRCh38, 1-based): chr7:116,699,736, A>T. VCF-style: chr7-116699736-A-T. GRCh37 (hg19) VCF-style: chr7-116339790-A-T.
Other names: c.652A>T, p.Arg218Trp (NM_001127500.3, NM_001324401.3); c.-91+27159A>T (NM_001324402.2); short protein forms R218W.
Identifiers: ClinVar variation 1754064 (VCV001754064.2), dbSNP rs2116594422, ClinGen allele CA368969544.
Genomic context (GRCh38, chr7:116,699,736, plus strand): 5'-GGCAATACCATAAATTCTTCTTATTTCCCAGATCATCCATTGCATTCGATATCAGTGAGA[A>T]GGCTAAAGGAAACGAAAGATGGTTTTATGTTTTTGACGGACCAGTCCTACATTGATGTTT-3'
Protein context (NP_000236.2, residues 208-228): DHPLHSISVR[Arg218Trp]LKETKDGFMF